The following is an entry in ClinVar:

ClinVar aggregate classification (germline): Pathogenic. Review status: criteria provided, single submitter (1 of 4 stars). 2 submissions from 2 submitters: Pathogenic (1). 1 of the submissions does not count toward it. Last evaluated 2021-09-02.

Conditions:
GNPTG-mucolipidosis. Also called: MUCOLIPIDOSIS III, COMPLEMENTATION GROUP C; MUCOLIPIDOSIS III, IRANIAN VARIANT FORM; MUCOLIPIDOSIS III, VARIANT FORM; ML III GAMMA; ML IIIC; Mucolipidosis type III gamma. Identifiers: Orphanet 423470, Orphanet 577, MedGen C1854896, MONDO:0009652, OMIM 252605.

Submissions (2):

Labcorp Genetics (formerly Invitae), Labcorp
Classification: Pathogenic. Last evaluated: 2021-09-02. Review status: criteria provided, single submitter. Criteria: Invitae Variant Classification Sherloc (09022015). Collection method: clinical testing. Allele origin: germline.
Comment: This variant is not present in population databases (ExAC no frequency). For these reasons, this variant has been classified as Pathogenic. This variant disrupts the p.Asn116 amino acid residue in GNPTG. Other variant(s) that disrupt this residue have been determined to be pathogenic (PMID: 15532026, 19370764, 29170090). This suggests that this residue is clinically significant, and that variants that disrupt this residue are likely to be disease-causing. Algorithms developed to predict the effect of sequence changes on RNA splicing suggest that this variant may disrupt the consensus splice site. ClinVar contains an entry for this variant (Variation ID: 917842). This variant has not been reported in the literature in individuals affected with GNPTG-related conditions. This variant results in the deletion of part of exon 6 (c.318-28_351del) of the GNPTG gene. It is expected to disrupt RNA splicing. Variants that disrupt the donor or acceptor splice site typically lead to a loss of protein function (PMID: 16199547), and loss-of-function variants in GNPTG are known to be pathogenic (PMID: 19370764, 20301784).

Diagnostics Division, CENTRE FOR DNA FINGERPRINTING AND DIAGNOSTICS
Classification: Likely pathogenic for GNPTG-mucolipidosis. Last evaluated: 2019-01-01. Review status: no assertion criteria provided. Collection method: research. Allele origin: germline. Affected: yes. Observed: 1 variant allele. Not counted in ClinVar's aggregate classification.

Literature cited by the submitters: PubMed 15532026 (cited by Labcorp Genetics (formerly Invitae), Labcorp); PubMed 19370764 (cited by Labcorp Genetics (formerly Invitae), Labcorp); PubMed 29170090 (cited by Labcorp Genetics (formerly Invitae), Labcorp); PubMed 16199547 (cited by Labcorp Genetics (formerly Invitae), Labcorp); PubMed 20301784 (cited by Labcorp Genetics (formerly Invitae), Labcorp).

NM_032520.5(GNPTG):c.318-28_351del

Gene: GNPTG (N-acetylglucosamine-1-phosphate transferase subunit gamma; plus strand). Cytogenetic location: 16p13.3.
Variant type: Deletion.
Coding change: c.318-28_351del on transcript NM_032520.5 (MANE Select); 28 bases into the intron before coding-DNA position 318 through coding-DNA position 351, 62 bases deleted.
Molecular consequence: splice acceptor variant.
Genome position (GRCh38, 1-based): chr16:1,362,010-1,362,071, 62 bases deleted. GRCh37 (hg19): chr16:1,412,011-1,412,072.
Identifiers: ClinVar variation 917842 (VCV000917842.8), dbSNP rs2034895916, ClinGen allele CA1139664231.